The following is an entry in ClinVar:

NM_000278.5(PAX2):c.213-8C>A

Gene: PAX2 (paired box 2; plus strand). Cytogenetic location: 10q24.31.
Variant type: single nucleotide variant.
Coding change: c.213-8C>A on transcript NM_000278.5 (MANE Select); 8 bases into the intron before coding-DNA position 213, C replaced by A.
Molecular consequence: intron variant.
Genome position (GRCh38, 1-based): chr10:100,750,686, C>A. VCF-style: chr10-100750686-C-A. GRCh37 (hg19) VCF-style: chr10-102510443-C-A.
Other names: c.306-8C>A (NM_001304569.2); c.213-8C>A (NM_003987.5, NM_003990.5, NM_003988.5 and 1 more transcripts).
Identifiers: ClinVar variation 2681736 (VCV002681736.2), dbSNP rs369615430.

ClinVar aggregate classification (germline): Likely pathogenic. Review status: criteria provided, multiple submitters, no conflicts (2 of 4 stars). 2 submissions from 2 submitters: Likely pathogenic (2). Last evaluated 2025-05-06.

Conditions:
Autosomal dominant PAX2-related disorders.
Focal segmental glomerulosclerosis 7 (FSGS7). Identifiers: Orphanet 656, MedGen C4014925, MONDO:0014451, OMIM 616002.

Submissions (2):

Variantyx, Inc.
Classification: Likely pathogenic for Autosomal dominant PAX2-related disorders. Last evaluated: 2025-05-06. Review status: criteria provided, single submitter. Criteria: Variantyx Assertion Criteria 2022. Collection method: clinical testing. Allele origin: de novo. Inheritance: Autosomal dominant inheritance. Affected: yes.
Comment: This is an intronic variant in the PAX2 gene (OMIM: 167409). Pathogenic variants in this gene have been associated with autosomal dominant PAX2-related disorders (PMID:7795640; 11093271). This variant has not been reported in individuals with PAX2-related disorders in the databases available for review. Algorithms that predict the potential impact of sequence variants on RNA splicing suggest that this variant may disrupt normal splicing (PP3). This variant is absent from control populations (PM2). Based on the current evidence, this variant is classified as likely pathogenic for autosomal dominant PAX2-related disorders.

Precision Medicine Center, Zhengzhou University
Classification: Likely pathogenic for Focal segmental glomerulosclerosis 7. Last evaluated: 2023-12-01. Review status: criteria provided, single submitter. Criteria: ACMG Guidelines, 2015. Collection method: clinical testing. Allele origin: de novo.
Comment: PS2,PM2_p,PP3

Literature cited by the submitters: PubMed 7795640 (cited by Variantyx, Inc.); PubMed 1093271 (cited by Variantyx, Inc.).